The following is an entry in ClinVar:

ClinVar aggregate classification (germline): Uncertain significance. Review status: criteria provided, multiple submitters, no conflicts (2 of 4 stars). 2 submissions from 2 submitters: Uncertain significance (2). Last evaluated 2025-11-12.

Conditions:
Hereditary cancer-predisposing syndrome. Also called: Neoplastic Syndromes, Hereditary; Tumor predisposition; Hereditary Cancer Syndrome; Hereditary neoplastic syndrome. Identifiers: Orphanet 140162, MedGen C0027672, MeSH D009386, MONDO:0015356.
Familial cancer of breast. Also called: BREAST CANCER, FAMILIAL; hereditary breast carcinoma; Hereditary breast cancer. Identifiers: Orphanet 227535, MedGen C0346153, MONDO:0016419, OMIM 114480. Disease mechanism: loss of function.

Submissions (2):

Labcorp Genetics (formerly Invitae), Labcorp
Classification: Uncertain significance for Familial cancer of breast. Last evaluated: 2025-11-12. Review status: criteria provided, single submitter. Criteria: Invitae Variant Classification Sherloc (09022015). Collection method: clinical testing. Allele origin: germline.
Comment: This sequence change replaces cysteine, which is neutral and slightly polar, with arginine, which is basic and polar, at codon 882 of the PALB2 protein (p.Cys882Arg). This variant is not present in population databases (gnomAD no frequency). This variant has not been reported in the literature in individuals affected with PALB2-related conditions. ClinVar contains an entry for this variant (Variation ID: 922412). Invitae Evidence Modeling of protein sequence and biophysical properties (such as structural, functional, and spatial information, amino acid conservation, physicochemical variation, residue mobility, and thermodynamic stability) indicates that this missense variant is not expected to disrupt PALB2 protein function with a negative predictive value of 80%. In summary, the available evidence is currently insufficient to determine the role of this variant in disease. Therefore, it has been classified as a Variant of Uncertain Significance.

Color Diagnostics, LLC DBA Color Health
Classification: Uncertain significance for Hereditary cancer-predisposing syndrome. Last evaluated: 2024-03-07. Review status: criteria provided, single submitter. Criteria: ACMG Guidelines, 2015. Collection method: clinical testing. Allele origin: germline.
Comment: This missense variant replaces cysteine with arginine at codon 882 of the PALB2 protein. Computational prediction tool suggests that this variant may not impact protein structure and function (internally defined REVEL score threshold <=0.5, PMID: 27666373). Splice site prediction tools suggest that this variant may not impact RNA splicing. To our knowledge, functional studies have not been performed for this variant. This variant has not been reported in individuals affected with hereditary cancer in the literature. This variant has not been identified in the general population by the Genome Aggregation Database (gnomAD). The available evidence is insufficient to determine the role of this variant in disease conclusively. Therefore, this variant is classified as a Variant of Uncertain Significance.

NM_024675.4(PALB2):c.2644T>C (p.Cys882Arg)

Gene: PALB2 (partner and localizer of BRCA2; minus strand). Cytogenetic location: 16p12.2.
Variant type: single nucleotide variant.
Coding change: c.2644T>C on transcript NM_024675.4 (MANE Select); coding-DNA position 2644, T replaced by C.
Protein change: p.Cys882Arg; replaces cysteine 882 with arginine.
Molecular consequence: missense variant.
Genome position (GRCh38, 1-based): chr16:23,626,340, A>G on the plus strand (T>C on the coding strand, the complement: PALB2 is on the minus strand). VCF-style: chr16-23626340-A-G. GRCh37 (hg19) VCF-style: chr16-23637661-A-G.
Other names: short protein forms C882R.
Identifiers: ClinVar variation 922412 (VCV000922412.5), dbSNP rs1966842679, ClinGen allele CA395122140.